The following is an entry in ClinVar:

NM_020778.5(ALPK3):c.49T>G (p.Ser17Ala)

Gene: ALPK3 (alpha kinase 3; plus strand). Cytogenetic location: 15q25.3.
Variant type: single nucleotide variant.
Coding change: c.49T>G on transcript NM_020778.5 (MANE Select); coding-DNA position 49, T replaced by G.
Protein change: p.Ser17Ala; replaces serine 17 with alanine.
Molecular consequence: missense variant.
Genome position (GRCh38, 1-based): chr15:84,817,501, T>G. VCF-style: chr15-84817501-T-G. GRCh37 (hg19) VCF-style: chr15-85360732-T-G.
Other names: short protein forms S17A.
Identifiers: ClinVar variation 1754202 (VCV001754202.2), dbSNP rs2505689204, ClinGen allele CA393369355.

ClinVar aggregate classification (germline): Uncertain significance (1 of 4 stars; one submission).

Conditions:
Cardiovascular phenotype. Identifiers: MedGen CN230736.

Submission:

Ambry Genetics
Classification: Uncertain significance for Cardiovascular phenotype. Last evaluated: 2022-01-30. Review status: criteria provided, single submitter. Criteria: Ambry Variant Classification Scheme 2023. Collection method: clinical testing. Allele origin: germline.
Comment: The p.S219A variant (also known as c.655T>G), located in coding exon 1 of the ALPK3 gene, results from a T to G substitution at nucleotide position 655. The serine at codon 219 is replaced by alanine, an amino acid with similar properties. This amino acid position is conserved. In addition, this alteration is predicted to be tolerated by in silico analysis. Since supporting evidence is limited at this time, the clinical significance of this alteration remains unclear.